The following is an entry in ClinVar:

NM_002474.3(MYH11):c.4154G>C (p.Ser1385Thr)

Genes: MYH11 (myosin heavy chain 11; minus strand), NDE1 (nudE neurodevelopment protein 1; plus strand). Cytogenetic location: 16p13.11.
Variant type: single nucleotide variant.
Coding change: c.4154G>C on transcript NM_002474.3 (MANE Select); coding-DNA position 4154, G replaced by C.
Protein change: p.Ser1385Thr; replaces serine 1385 with threonine.
Molecular consequence: missense variant. On other transcripts: 3 prime UTR variant (2).
Genome position (GRCh38, 1-based): chr16:15,724,372, C>G on the plus strand (G>C on the coding strand, the complement: MYH11 is on the minus strand). VCF-style: chr16-15724372-C-G. GRCh37 (hg19) VCF-style: chr16-15818229-C-G.
Other names: c.4175G>C, p.Ser1392Thr (NM_001040113.2, NM_001040114.2); c.4154G>C, p.Ser1385Thr (NM_022844.3); c.*121C>G (NM_001143979.2, NM_017668.3); short protein forms S1385T, S1392T.
Identifiers: ClinVar variation 3618927 (VCV003618927.2).
Genomic context (GRCh38, chr16:15,724,372, plus strand): 5'-GTGAGGTTCTCGATCTCCTTCTGGAACCTCTTCTTCCCCTCTTCCAGAGCTTCCACGGTG[C>G]TGGCAAAGTCCTGCAGCTTCTTCTTCGAGTCGGAGAGCTACAAGGACAGCGTCCAGGGTA-3'
Protein context (NP_002465.1, residues 1375-1395): DSKKKLQDFA[Ser1385Thr]TVEALEEGKK

ClinVar aggregate classification (germline): Uncertain significance (1 of 4 stars; one submission).

Conditions:
Aortic aneurysm, familial thoracic 4 (AAT4). Also called: AORTIC ANEURYSM/AORTIC DISSECTION AND PATENT DUCTUS ARTERIOSUS. Identifiers: MedGen C1851504, MONDO:0007568, OMIM 132900.

Submission:

Labcorp Genetics (formerly Invitae), Labcorp
Classification: Uncertain significance for Aortic aneurysm, familial thoracic 4. Last evaluated: 2024-10-17. Review status: criteria provided, single submitter. Criteria: Invitae Variant Classification Sherloc (09022015). Collection method: clinical testing. Allele origin: germline.
Comment: This sequence change replaces serine, which is neutral and polar, with threonine, which is neutral and polar, at codon 1392 of the MYH11 protein (p.Ser1392Thr). This variant is not present in population databases (gnomAD no frequency). This variant has not been reported in the literature in individuals affected with MYH11-related conditions. Invitae Evidence Modeling of protein sequence and biophysical properties (such as structural, functional, and spatial information, amino acid conservation, physicochemical variation, residue mobility, and thermodynamic stability) indicates that this missense variant is not expected to disrupt MYH11 protein function with a negative predictive value of 95%. In summary, the available evidence is currently insufficient to determine the role of this variant in disease. Therefore, it has been classified as a Variant of Uncertain Significance.